The following is an entry in ClinVar:

ClinVar aggregate classification (germline): Uncertain significance. Review status: criteria provided, multiple submitters, no conflicts (2 of 4 stars). 2 submissions from 2 submitters: Uncertain significance (2). Last evaluated 2026-05-02.

Conditions:
Breast-ovarian cancer, familial, susceptibility to, 4. Identifiers: Orphanet 145, MedGen C3280345, MONDO:0013669, OMIM 614291.
Hereditary cancer-predisposing syndrome. Also called: Tumor predisposition; Neoplastic Syndromes, Hereditary; Hereditary neoplastic syndrome; Hereditary Cancer Syndrome. Identifiers: Orphanet 140162, MedGen C0027672, MeSH D009386, MONDO:0015356.

Submissions (2):

Ambry Genetics
Classification: Uncertain significance for Hereditary cancer-predisposing syndrome. Last evaluated: 2026-05-02. Review status: criteria provided, single submitter. Criteria: Ambry Variant Classification Scheme 2023. Collection method: clinical testing. Allele origin: germline.
Comment: The p.T13N variant (also known as c.38C>A), located in coding exon 1 of the RAD51D gene, results from a C to A substitution at nucleotide position 38. The threonine at codon 13 is replaced by asparagine, an amino acid with similar properties. This amino acid position is conserved. In addition, this alteration is predicted to be tolerated by in silico analysis. Based on the available evidence, the clinical significance of this variant remains unclear.

Labcorp Genetics (formerly Invitae), Labcorp
Classification: Uncertain significance for Breast-ovarian cancer, familial, susceptibility to, 4. Last evaluated: 2019-12-27. Review status: criteria provided, single submitter. Criteria: Invitae Variant Classification Sherloc (09022015). Collection method: clinical testing. Allele origin: germline.
Comment: In summary, the available evidence is currently insufficient to determine the role of this variant in disease. Therefore, it has been classified as a Variant of Uncertain Significance. Algorithms developed to predict the effect of missense changes on protein structure and function (SIFT, PolyPhen-2, Align-GVGD) all suggest that this variant is likely to be tolerated, but these predictions have not been confirmed by published functional studies and their clinical significance is uncertain. This variant has not been reported in the literature in individuals with RAD51D-related conditions. This variant is not present in population databases (ExAC no frequency). This sequence change replaces threonine with asparagine at codon 13 of the RAD51D protein (p.Thr13Asn). The threonine residue is moderately conserved and there is a small physicochemical difference between threonine and asparagine.

NM_002878.4(RAD51D):c.38C>A (p.Thr13Asn)

Genes: RAD51D (RAD51 paralog D; minus strand), RAD51L3-RFFL (RAD51L3-RFFL readthrough; minus strand). Cytogenetic location: 17q12.
Variant type: single nucleotide variant.
Coding change: c.38C>A on transcript NM_002878.4 (MANE Select); coding-DNA position 38, C replaced by A.
Protein change: p.Thr13Asn; replaces threonine 13 with asparagine.
Molecular consequence: missense variant. On other transcripts: non-coding transcript variant (2).
Genome position (GRCh38, 1-based): chr17:35,119,576, G>T on the plus strand (C>A on the coding strand, the complement: RAD51D is on the minus strand). VCF-style: chr17-35119576-G-T. GRCh37 (hg19) VCF-style: chr17-33446595-G-T.
Other names: c.38C>A, p.Thr13Asn (NM_001142571.2, NM_133629.3); short protein forms T13N.
Identifiers: ClinVar variation 837248 (VCV000837248.11), dbSNP rs1064795830, ClinGen allele CA399092483.